The following is an entry in ClinVar:

ClinVar aggregate classification (germline): Conflicting classifications of pathogenicity. Review status: criteria provided, conflicting classifications (1 of 4 stars). 3 submissions from 3 submitters: Uncertain significance (2); Likely benign (1). Last evaluated 2022-07-26.

Conditions:
Charcot-Marie-Tooth disease. Also called: Charcot-Marie-Tooth Hereditary Neuropathy; Charcot-Marie-Tooth Neuropathy. Identifiers: Orphanet 166, MedGen C0007959, MONDO:0015626.
Inborn genetic diseases. Identifiers: MedGen C0950123, MeSH D030342.

Allele frequency attached by ClinVar (database versions not stated): gnomAD 0.00001; TOPMed 0.00001.
gnomAD v4.1: 8 of 1,611,908 alleles (0.0005%); highest among the groups gnomAD compares: African/African-American, 0.0013%; no homozygotes.

Submissions (3):

Ambry Genetics
Classification: Uncertain significance for Inborn genetic diseases. Last evaluated: 2022-07-26. Review status: criteria provided, single submitter. Criteria: Ambry Variant Classification Scheme 2023. Collection method: clinical testing. Allele origin: germline.
Comment: The c.1770+3A>G intronic variant results from an A to G substitution 3 nucleotides after coding exon 14 in the MTMR2 gene. This nucleotide position is well conserved in available vertebrate species. In silico splice site analysis predicts that this alteration may weaken the native splice donor site. Since supporting evidence is limited at this time, the clinical significance of this alteration remains unclear.

GeneDx
Classification: Likely benign. Last evaluated: 2016-03-30. Review status: criteria provided, single submitter. Criteria: GeneDx Variant Classification (06012015). Collection method: clinical testing. Allele origin: germline. Affected: yes.
Comment: This variant is considered likely benign or benign based on one or more of the following criteria: it is a conservative change, it occurs at a poorly conserved position in the protein, it is predicted to be benign by multiple in silico algorithms, and/or has population frequency not consistent with disease.

Molecular Genetics Laboratory, London Health Sciences Centre
Classification: Uncertain significance for Charcot-Marie-Tooth disease. Review status: criteria provided, single submitter. Criteria: ACMG Guidelines, 2015. Collection method: clinical testing. Allele origin: germline. Affected: yes.

NM_016156.6(MTMR2):c.1770+3A>G

Gene: MTMR2 (myotubularin related protein 2; minus strand). Cytogenetic location: 11q21.
Variant type: single nucleotide variant.
Coding change: c.1770+3A>G on transcript NM_016156.6 (MANE Select); 3 bases into the intron after coding-DNA position 1770, A replaced by G.
Molecular consequence: intron variant.
Genome position (GRCh38, 1-based): chr11:95,836,145, T>C on the plus strand (A>G on the coding strand, the complement: MTMR2 is on the minus strand). VCF-style: chr11-95836145-T-C. GRCh37 (hg19) VCF-style: chr11-95569309-T-C.
Other names: c.1554+3A>G (NM_201281.3, NM_201278.3, NM_001243571.2).
Identifiers: ClinVar variation 384786 (VCV000384786.4), dbSNP rs756909627, ClinGen allele CA16606043.